The following is an entry in ClinVar:

NM_021926.4(ALX4):c.*1121C>T

Gene: ALX4 (ALX homeobox 4; minus strand). Cytogenetic location: 11p11.2.
Variant type: single nucleotide variant.
Coding change: c.*1121C>T on transcript NM_021926.4 (MANE Select); 1121 bases downstream of the stop codon, C replaced by T.
Molecular consequence: 3 prime UTR variant.
Genome position (GRCh38, 1-based): chr11:44,263,733, G>A on the plus strand (C>T on the coding strand, the complement: ALX4 is on the minus strand). VCF-style: chr11-44263733-G-A. GRCh37 (hg19) VCF-style: chr11-44285283-G-A.
Other names: c.*1121C>T (LRG_1256t1).
Identifiers: ClinVar variation 304668 (VCV000304668.5), dbSNP rs146483327, ClinGen allele CA10638550.
Genomic context (GRCh38, chr11:44,263,733, plus strand): 5'-GGCAGGGAGGACAGTCAGTTTGAGGCCATAGCAGGGCCTGGAGGCCGAGCATGGCCACAC[G>A]TCCTCTAGCAAAGCCTGCACGCAGCTTTTGACCCTCTGCCACCCGGCCCCCAAGCTCTAG-3'

ClinVar aggregate classification (germline): Benign (1 of 4 stars; one submission).

Conditions:
Parietal foramina 2 (PFM2). Identifiers: Orphanet 60015, MedGen C1865044, MONDO:0012309, OMIM 609597.

Allele frequency attached by ClinVar (database versions not stated): 1000 Genomes Project 0.00060; 1000 Genomes Project 30x 0.00062; gnomAD 0.00115 and 0.00118; TOPMed 0.00131.

Submission:

Illumina Laboratory Services, Illumina
Classification: Benign for Parietal foramina 2. Last evaluated: 2018-01-13. Review status: criteria provided, single submitter. Criteria: ICSL Variant Classification Criteria 13 December 2019. Collection method: clinical testing. Allele origin: germline.
Comment: This variant was observed in the ICSL laboratory as part of a predisposition screen in an ostensibly healthy population. It had not been previously curated by ICSL or reported in the Human Gene Mutation Database (HGMD: prior to June 1st, 2018), and was therefore a candidate for classification through an automated scoring system. Utilizing variant allele frequency, disease prevalence and penetrance estimates, and inheritance mode, an automated score was calculated to assess if this variant is too frequent to cause the disease. Based on the score and internal cut-off values, a variant classified as benign is not then subjected to further curation. The score for this variant resulted in a classification of benign for this disease.